The following is an entry in ClinVar:

ClinVar aggregate classification (germline): Benign. Review status: criteria provided, multiple submitters, no conflicts (2 of 4 stars). 6 submissions from 5 submitters: Benign (5). 1 of the submissions does not count toward it. Last evaluated 2025-12-31.

Conditions:
SYNE1-related disorder. Also called: SYNE1-related disorders; SYNE1-related disease; SYNE1-related condition.
Emery-Dreifuss muscular dystrophy 4, autosomal dominant (EDMD4). Also called: EMERY-DREIFUSS MUSCULAR DYSTROPHY 4 WITH VARIABLE FEATURES. Identifiers: Orphanet 261, MedGen C2751807, MONDO:0013071, OMIM 612998.
Autosomal recessive ataxia, Beauce type. Also called: ATAXIA, RECESSIVE, OF BEAUCE; SYNE1-Related Autosomal Recessive Cerebellar Ataxia; Spinocerebellar ataxia, autosomal recessive 8; SYNE1 Deficiency. Identifiers: Orphanet 88644, MedGen C1853116, MONDO:0012549, OMIM 610743.

Allele frequency attached by ClinVar (database versions not stated): gnomAD exomes 0.00114; ExAC 0.00138; 1000 Genomes Project 0.00240; 1000 Genomes Project 30x 0.00328; gnomAD 0.00402 and 0.00431; TOPMed 0.00474; ESP Exome Variant Server 0.00523.
gnomAD v4.1: 1,234 of 1,614,176 alleles (0.076%); highest among the groups gnomAD compares: African/African-American, 1.5%; 12 homozygotes.

Submissions (6):

Labcorp Genetics (formerly Invitae), Labcorp
Classification: Benign for Emery-Dreifuss muscular dystrophy 4, autosomal dominant; Autosomal recessive ataxia, Beauce type. Last evaluated: 2025-12-31. Review status: criteria provided, single submitter. Criteria: Invitae Variant Classification Sherloc (09022015). Collection method: clinical testing. Allele origin: germline.

Athena Diagnostics
Classification: Benign. Last evaluated: 2023-11-29. Review status: criteria provided, single submitter. Criteria: Athena Diagnostics Criteria. Collection method: clinical testing. Allele origin: unknown.

GeneDx
Classification: Benign. Last evaluated: 2018-10-11. Review status: criteria provided, single submitter. Criteria: GeneDx Variant Classification Process June 2021. Collection method: clinical testing. Allele origin: germline. Affected: yes.

Illumina Laboratory Services, Illumina
Classification: Benign for Autosomal recessive ataxia, Beauce type. Last evaluated: 2018-01-13. Review status: criteria provided, single submitter. Criteria: ICSL Variant Classification Criteria 13 December 2019. Collection method: clinical testing. Allele origin: germline.
Comment: This variant was observed in the ICSL laboratory as part of a predisposition screen in an ostensibly healthy population. It had not been previously curated by ICSL or reported in the Human Gene Mutation Database (HGMD: prior to June 1st, 2018), and was therefore a candidate for classification through an automated scoring system. Utilizing variant allele frequency, disease prevalence and penetrance estimates, and inheritance mode, an automated score was calculated to assess if this variant is too frequent to cause the disease. Based on the score and internal cut-off values, a variant classified as benign is not then subjected to further curation. The score for this variant resulted in a classification of benign for this disease.

Illumina Laboratory Services, Illumina
Classification: Benign for Emery-Dreifuss muscular dystrophy 4, autosomal dominant. Last evaluated: 2018-01-13. Review status: criteria provided, single submitter. Criteria: ICSL Variant Classification Criteria 13 December 2019. Collection method: clinical testing. Allele origin: germline.
Comment: the same text as in the submission from Illumina Laboratory Services, Illumina above.

PreventionGenetics, part of Exact Sciences
Classification: Benign for SYNE1-related condition. Last evaluated: 2019-09-25. Review status: no assertion criteria provided. Collection method: clinical testing. Allele origin: germline. Not counted in ClinVar's aggregate classification.
Comment: This variant is classified as benign based on ACMG/AMP sequence variant interpretation guidelines (Richards et al. 2015 PMID: 25741868, with internal and published modifications).

Literature cited by the submitters: PubMed 24123366 (cited by Athena Diagnostics).

NM_182961.4(SYNE1):c.9542G>A (p.Ser3181Asn)

Gene: SYNE1 (spectrin repeat containing nuclear envelope protein 1; minus strand). Cytogenetic location: 6q25.2.
Variant type: single nucleotide variant.
Coding change: c.9542G>A on transcript NM_182961.4 (MANE Select); coding-DNA position 9542, G replaced by A.
Protein change: p.Ser3181Asn; replaces serine 3181 with asparagine.
Molecular consequence: missense variant.
Genome position (GRCh38, 1-based): chr6:152,369,580, C>T on the plus strand (G>A on the coding strand, the complement: SYNE1 is on the minus strand). VCF-style: chr6-152369580-C-T. GRCh37 (hg19) VCF-style: chr6-152690715-C-T.
Other names: c.9563G>A, p.Ser3188Asn (NM_033071.5); short protein forms S3181N, S3188N.
Identifiers: ClinVar variation 387095 (VCV000387095.22), dbSNP rs140508714, ClinGen allele CA4057290.